The following is an entry in ClinVar:

ClinVar aggregate classification (germline): Uncertain significance (1 of 4 stars; one submission).

Conditions:
Catecholaminergic polymorphic ventricular tachycardia 1. Also called: VENTRICULAR TACHYCARDIA, CATECHOLAMINERGIC POLYMORPHIC, 1, WITH OR WITHOUT ATRIAL DYSFUNCTION AND/OR DILATED CARDIOMYOPATHY; RYR2-Related Catecholaminergic Polymorphic Ventricular Tachycardia; VENTRICULAR TACHYCARDIA, STRESS-INDUCED POLYMORPHIC 1. Identifiers: Orphanet 3286, MedGen C1631597, MONDO:0011484, OMIM 604772.

Submission:

Labcorp Genetics (formerly Invitae), Labcorp
Classification: Uncertain significance for Catecholaminergic polymorphic ventricular tachycardia 1. Last evaluated: 2017-11-27. Review status: criteria provided, single submitter. Criteria: Invitae Variant Classification Sherloc (09022015). Collection method: clinical testing. Allele origin: germline.
Comment: This sequence change replaces methionine with valine at codon 778 of the RYR2 protein (p.Met778Val). The methionine residue is highly conserved and there is a small physicochemical difference between methionine and valine. In summary, the available evidence is currently insufficient to determine the role of this variant in disease. Therefore, it has been classified as a Variant of Uncertain Significance. Algorithms developed to predict the effect of missense changes on protein structure and function do not agree on the potential impact of this missense change (SIFT: "Deleterious"; PolyPhen-2: "Benign"; Align-GVGD: "Class C15"). This variant has not been reported in the literature in individuals with RYR2-related disease. This variant is not present in population databases (ExAC no frequency). A different missense substitution at this codon (p.Met778Ile) has been reported in an individual affected with dilated cardiomyopathy (PMID: 27532257). This variant is also known as p.M778I in the literature.

Literature cited by the submitters: PubMed 27532257.

NM_001035.3(RYR2):c.2332A>G (p.Met778Val)

Gene: RYR2 (ryanodine receptor 2; plus strand). Cytogenetic location: 1q43.
Variant type: single nucleotide variant.
Coding change: c.2332A>G on transcript NM_001035.3 (MANE Select); coding-DNA position 2332, A replaced by G.
Protein change: p.Met778Val; replaces methionine 778 with valine.
Molecular consequence: missense variant.
Genome position (GRCh38, 1-based): chr1:237,500,839, A>G. VCF-style: chr1-237500839-A-G. GRCh37 (hg19) VCF-style: chr1-237664139-A-G.
Other names: c.2332A>G, p.Met778Val (LRG_402t1); short protein forms M778V.
Identifiers: ClinVar variation 532319 (VCV000532319.10), dbSNP rs1553474619, ClinGen allele CA345393264.
Genomic context (GRCh38, chr1:237,500,839, plus strand): 5'-TGTTTAGATCTGAGTGCCCCAAGCATCTCGTTCCGAATTAATGGACAACCTGTTCAAGGA[A>G]TGTTTGAGAATTTCAACATCGATGGCCTCTTCTTTCCAGTCGTTAGTTTCTCTGCAGGAA-3'
Protein context (NP_001026.2, residues 768-788): FRINGQPVQG[Met778Val]FENFNIDGLF